The following is an entry in ClinVar:

NM_002373.6(MAP1A):c.8201G>A (p.Arg2734Gln)

Gene: MAP1A (microtubule associated protein 1A; plus strand). Cytogenetic location: 15q15.3.
Variant type: single nucleotide variant.
Coding change: c.8201G>A on transcript NM_002373.6 (MANE Select); coding-DNA position 8201, G replaced by A.
Protein change: p.Arg2734Gln; replaces arginine 2734 with glutamine.
Molecular consequence: missense variant.
Genome position (GRCh38, 1-based): chr15:43,529,815, G>A. VCF-style: chr15-43529815-G-A. GRCh37 (hg19) VCF-style: chr15-43822013-G-A.
Other names: c.8915G>A, p.Arg2972Gln (NM_001411089.1); short protein forms R2734Q, R2972Q.
Identifiers: ClinVar variation 2636878 (VCV002636878.2), dbSNP rs757360947, ClinGen allele CA7527210.

ClinVar aggregate classification (germline): Uncertain significance. Review status: criteria provided, multiple submitters, no conflicts (2 of 4 stars). 2 submissions from 2 submitters: Uncertain significance (2). Last evaluated 2024-08-25.

Conditions:
MAP1A-related disorder. Also called: MAP1A-related condition.

Allele frequency attached by ClinVar (database versions not stated): ExAC 0.00001; gnomAD exomes 0.00001; gnomAD 0.00002; TOPMed 0.00003.

Submissions (2):

Ambry Genetics
Classification: Uncertain significance. Last evaluated: 2024-08-25. Review status: criteria provided, single submitter. Criteria: Ambry Variant Classification Scheme 2023. Collection method: clinical testing. Allele origin: germline.

PreventionGenetics, part of Exact Sciences
Classification: Uncertain significance for MAP1A-related condition. Last evaluated: 2023-05-31. Review status: criteria provided, single submitter. Criteria: ACMG Guidelines, 2015. Collection method: clinical testing. Allele origin: germline.
Comment: The MAP1A c.8201G>A variant is predicted to result in the amino acid substitution p.Arg2734Gln. To our knowledge, this variant has not been reported in the literature. This variant is reported in 0.0065% of alleles in individuals of South Asian descent in gnomAD. At this time, the clinical significance of this variant is uncertain due to the absence of conclusive functional and genetic evidence.